The following is an entry in ClinVar:

NM_000440.3(PDE6A):c.2401G>A (p.Gly801Arg)

Gene: PDE6A (phosphodiesterase 6A; minus strand). Cytogenetic location: 5q32.
Variant type: single nucleotide variant.
Coding change: c.2401G>A on transcript NM_000440.3 (MANE Select); coding-DNA position 2401, G replaced by A.
Protein change: p.Gly801Arg; replaces glycine 801 with arginine.
Molecular consequence: missense variant.
Genome position (GRCh38, 1-based): chr5:149,863,224, C>T on the plus strand (G>A on the coding strand, the complement: PDE6A is on the minus strand). VCF-style: chr5-149863224-C-T. GRCh37 (hg19) VCF-style: chr5-149242787-C-T.
Other names: c.2158G>A, p.Gly720Arg (NM_001410788.1); c.2401G>A (NM_000440.2); short protein forms G720R, G801R.
Identifiers: ClinVar variation 2027207 (VCV002027207.6), dbSNP rs372258198, ClinGen allele CA3504285.

ClinVar aggregate classification (germline): Uncertain significance. Review status: criteria provided, multiple submitters, no conflicts (2 of 4 stars). 3 submissions from 3 submitters: Uncertain significance (3). Last evaluated 2024-03-19.

Conditions:
Inborn genetic diseases. Identifiers: MedGen C0950123, MeSH D030342.

Allele frequency attached by ClinVar (database versions not stated): gnomAD exomes below 0.00001; ExAC 0.00001; gnomAD 0.00001; ESP Exome Variant Server 0.00008; TOPMed 0.00008.
gnomAD v4.1: 5 of 1,613,946 alleles (0.00031%); highest among the groups gnomAD compares: Admixed American, 0.0033%; no homozygotes.

Submissions (3):

Ambry Genetics
Classification: Uncertain significance for Inborn genetic diseases. Last evaluated: 2024-03-19. Review status: criteria provided, single submitter. Criteria: Ambry Variant Classification Scheme 2023. Collection method: clinical testing. Allele origin: germline.

Labcorp Genetics (formerly Invitae), Labcorp
Classification: Uncertain significance. Last evaluated: 2023-10-13. Review status: criteria provided, single submitter. Criteria: Invitae Variant Classification Sherloc (09022015). Collection method: clinical testing. Allele origin: germline.
Comment: This sequence change replaces glycine, which is neutral and non-polar, with arginine, which is basic and polar, at codon 801 of the PDE6A protein (p.Gly801Arg). This variant is present in population databases (rs372258198, gnomAD 0.003%). This variant has not been reported in the literature in individuals affected with PDE6A-related conditions. ClinVar contains an entry for this variant (Variation ID: 2027207). Advanced modeling of protein sequence and biophysical properties (such as structural, functional, and spatial information, amino acid conservation, physicochemical variation, residue mobility, and thermodynamic stability) performed at Invitae indicates that this missense variant is not expected to disrupt PDE6A protein function. In summary, the available evidence is currently insufficient to determine the role of this variant in disease. Therefore, it has been classified as a Variant of Uncertain Significance.

Blueprint Genetics
Classification: Uncertain significance. Last evaluated: 2019-05-22. Review status: criteria provided, single submitter. Criteria: ACMG Guidelines, 2015. Collection method: clinical testing. Allele origin: germline.